The following is an entry in ClinVar:

NM_000046.5(ARSB):c.1181A>G (p.Asn394Ser)

Gene: ARSB (arylsulfatase B; minus strand). Cytogenetic location: 5q14.1.
Variant type: single nucleotide variant.
Coding change: c.1181A>G on transcript NM_000046.5 (MANE Select); coding-DNA position 1181, A replaced by G.
Protein change: p.Asn394Ser; replaces asparagine 394 with serine.
Molecular consequence: missense variant.
Genome position (GRCh38, 1-based): chr5:78,839,388, T>C on the plus strand (A>G on the coding strand, the complement: ARSB is on the minus strand). VCF-style: chr5-78839388-T-C. GRCh37 (hg19) VCF-style: chr5-78135211-T-C.
Other names: c.1181A>G, p.Asn394Ser (NM_198709.3); short protein forms N394S.
Identifiers: ClinVar variation 2150069 (VCV002150069.3), dbSNP rs1465162220, ClinGen allele CA360338664.
Genomic context (GRCh38, chr5:78,839,388, plus strand): 5'-AATCTAGTAGCAATGCACTGGTACTCACACGGTGAAGAGTCCACGAAGTTCGGGTCAATA[T>C]TATGCAGCAGCTCAATTCTGGGGGATGGGCTTCCTTCACTGGAAAACAATTTTTAAGGGA-3'
Protein context (NP_000037.2, residues 384-404): SPSPRIELLH[Asn394Ser]IDPNFVDSSP

ClinVar aggregate classification (germline): Uncertain significance (1 of 4 stars; one submission).

Conditions:
Mucopolysaccharidosis type 6 (MPS6). Also called: ARSB DEFICIENCY; MPS VI; N-ACETYLGALACTOSAMINE-4-SULFATASE DEFICIENCY; ARYLSULFATASE B DEFICIENCY; MPS 6; Maroteaux Lamy syndrome. Identifiers: Orphanet 583, MedGen C0026709, MONDO:0009661, OMIM 253200.

Allele frequency attached by ClinVar (database versions not stated): gnomAD exomes 0.00001.
gnomAD v4.1: 5 of 1,613,930 alleles (0.00031%); highest among the groups gnomAD compares: Non-Finnish European, 0.00042%; no homozygotes.

Submission:

Labcorp Genetics (formerly Invitae), Labcorp
Classification: Uncertain significance for Mucopolysaccharidosis type 6. Last evaluated: 2025-05-12. Review status: criteria provided, single submitter. Criteria: Invitae Variant Classification Sherloc (09022015). Collection method: clinical testing. Allele origin: germline.
Comment: This sequence change replaces asparagine, which is neutral and polar, with serine, which is neutral and polar, at codon 394 of the ARSB protein (p.Asn394Ser). This variant is present in population databases (no rsID available, gnomAD 0.0009%). This variant has not been reported in the literature in individuals affected with ARSB-related conditions. ClinVar contains an entry for this variant (Variation ID: 2150069). Invitae Evidence Modeling of protein sequence and biophysical properties (such as structural, functional, and spatial information, amino acid conservation, physicochemical variation, residue mobility, and thermodynamic stability) indicates that this missense variant is expected to disrupt ARSB protein function with a positive predictive value of 95%. In summary, the available evidence is currently insufficient to determine the role of this variant in disease. Therefore, it has been classified as a Variant of Uncertain Significance.